The following is an entry in ClinVar:

ClinVar aggregate classification (germline): Uncertain significance (1 of 4 stars; one submission).

Submission:

Labcorp Genetics (formerly Invitae), Labcorp
Classification: Uncertain significance. Last evaluated: 2025-08-14. Review status: criteria provided, single submitter. Criteria: Invitae Variant Classification Sherloc (09022015). Collection method: clinical testing. Allele origin: germline.
Comment: This sequence change replaces leucine, which is neutral and non-polar, with proline, which is neutral and non-polar, at codon 211 of the HTRA2 protein (p.Leu211Pro). This variant is not present in population databases (gnomAD no frequency). This variant has not been reported in the literature in individuals affected with HTRA2-related conditions. Invitae Evidence Modeling of protein sequence and biophysical properties (such as structural, functional, and spatial information, amino acid conservation, physicochemical variation, residue mobility, and thermodynamic stability) indicates that this missense variant is not expected to disrupt HTRA2 protein function with a negative predictive value of 80%. In summary, the available evidence is currently insufficient to determine the role of this variant in disease. Therefore, it has been classified as a Variant of Uncertain Significance.

NM_013247.5(HTRA2):c.632T>C (p.Leu211Pro)

Genes: HTRA2 (HtrA serine peptidase 2; plus strand), LOC129934142 (ATAC-STARR-seq lymphoblastoid active region 16074; plus strand). Cytogenetic location: 2p13.1.
Variant type: single nucleotide variant.
Coding change: c.632T>C on transcript NM_013247.5 (MANE Select); coding-DNA position 632, T replaced by C.
Protein change: p.Leu211Pro; replaces leucine 211 with proline.
Molecular consequence: missense variant. On other transcripts: non-coding transcript variant (4).
Genome position (GRCh38, 1-based): chr2:74,530,742, T>C. VCF-style: chr2-74530742-T-C. GRCh37 (hg19) VCF-style: chr2-74757869-T-C.
Other names: c.632T>C, p.Leu211Pro (NM_001321727.1, NM_001321728.1, NM_145074.2); short protein forms L211P.
Identifiers: ClinVar variation 4740580 (VCV004740580.1).